The following is an entry in ClinVar:

ClinVar aggregate classification (germline): Pathogenic/Likely pathogenic. Review status: criteria provided, multiple submitters, no conflicts (2 of 4 stars). 4 submissions from 4 submitters: Pathogenic (2); Likely pathogenic (1). 1 of the submissions does not count toward it. Last evaluated 2023-11-21.

Conditions:
Focal segmental glomerulosclerosis 5 (FSGS5). Identifiers: Orphanet 656, MedGen C2750475, MONDO:0013191, OMIM 613237.
Charcot-Marie-Tooth disease dominant intermediate E. Also called: CHARCOT-MARIE-TOOTH NEUROPATHY WITH FOCAL SEGMENTAL GLOMERULONEPHRITIS. Identifiers: Orphanet 93114, MedGen C4302667, MONDO:0013758, OMIM 614455.
Inborn genetic diseases. Identifiers: MedGen C0950123, MeSH D030342.
Charcot-Marie-Tooth disease. Also called: Charcot-Marie-Tooth Hereditary Neuropathy; Charcot-Marie-Tooth Neuropathy. Identifiers: Orphanet 166, MedGen C0007959, MONDO:0015626.

Submissions (4):

Ambry Genetics
Classification: Pathogenic for Inborn genetic diseases. Last evaluated: 2023-11-21. Review status: criteria provided, single submitter. Criteria: Ambry Variant Classification Scheme 2023. Collection method: clinical testing. Allele origin: germline.
Comment: The c.395T>C (p.L132P) alteration is located in exon 3 (coding exon 2) of the INF2 gene. This alteration results from a T to C substitution at nucleotide position 395, causing the leucine (L) at amino acid position 132 to be replaced by a proline (P). This variant was not reported in population-based cohorts in the Genome Aggregation Database (gnomAD). This variant has been reported as de novo in an individual with features of Charcot-Marie-Tooth disease and focal segmental glomerulosclerosis (Park, 2014; Park, 2023). This amino acid position is highly conserved in available vertebrate species. This missense alteration is located in a region that has a low rate of benign missense variation (Lek, 2016; Firth, 2009). In multiple assays testing INF2 function, this variant showed functionally abnormal results (Bayraktar, 2020). This alteration is predicted to be deleterious by in silico analysis. Based on the available evidence, this alteration is classified as pathogenic.

GeneDx
Classification: Likely pathogenic. Last evaluated: 2022-05-19. Review status: criteria provided, single submitter. Criteria: GeneDx Variant Classification Process June 2021. Collection method: clinical testing. Allele origin: germline. Affected: yes.
Comment: In silico analysis supports that this missense variant has a deleterious effect on protein structure/function; Not observed at significant frequency in large population cohorts (gnomAD); This variant is associated with the following publications: (PMID: 24750328, 22965130)

Labcorp Genetics (formerly Invitae), Labcorp
Classification: Pathogenic for Charcot-Marie-Tooth disease dominant intermediate E; Focal segmental glomerulosclerosis 5. Last evaluated: 2020-08-08. Review status: criteria provided, single submitter. Criteria: Invitae Variant Classification Sherloc (09022015). Collection method: clinical testing. Allele origin: germline.
Comment: This variant is not present in population databases (ExAC no frequency). This sequence change replaces leucine with proline at codon 132 of the INF2 protein (p.Leu132Pro). The leucine residue is highly conserved and there is a moderate physicochemical difference between leucine and proline. This variant has been observed in individual(s) with Charcot-Marie-Tooth disease and focal segmental glomerulosclerosis (PMID: 24750328, Invitae). In at least one individual the variant was observed to be de novo. ClinVar contains an entry for this variant (Variation ID: 637706). For these reasons, this variant has been classified as Pathogenic. This variant disrupts the p.Leu132 amino acid residue in INF2. Other variant(s) that disrupt this residue have been observed in individuals with INF2-related conditions (PMID: 22187985), which suggests that this may be a clinically significant amino acid residue. Advanced modeling of protein sequence and biophysical properties (such as structural, functional, and spatial information, amino acid conservation, physicochemical variation, residue mobility, and thermodynamic stability) performed at Invitae indicates that this missense variant is expected to disrupt INF2 protein function.

Inherited Neuropathy Consortium
Classification: Uncertain significance for Charcot-Marie-Tooth disease. Review status: no assertion criteria provided. Collection method: literature only. Allele origin: germline. Affected: yes. Not counted in ClinVar's aggregate classification.

Literature cited by the submitters: PubMed 24750328 (cited by 3 submitters); PubMed 32444357 (cited by Ambry Genetics); PubMed 36637069 (cited by Ambry Genetics); PubMed 22187985 (cited by Labcorp Genetics (formerly Invitae), Labcorp).

NM_022489.4(INF2):c.395T>C (p.Leu132Pro)

Gene: INF2 (inverted formin 2; plus strand). Cytogenetic location: 14q32.33.
Variant type: single nucleotide variant.
Coding change: c.395T>C on transcript NM_022489.4 (MANE Select); coding-DNA position 395, T replaced by C.
Protein change: p.Leu132Pro; replaces leucine 132 with proline.
Molecular consequence: missense variant.
Genome position (GRCh38, 1-based): chr14:104,703,108, T>C. VCF-style: chr14-104703108-T-C. GRCh37 (hg19) VCF-style: chr14-105169445-T-C.
Other names: c.395T>C, p.Leu132Pro (NM_001031714.4, NM_032714.3); short protein forms L132P.
Identifiers: ClinVar variation 637706 (VCV000637706.11), dbSNP rs387907038, ClinGen allele CA391212614.